The following is an entry in ClinVar:

NM_001130823.3(DNMT1):c.1709C>T (p.Ala570Val)

Gene: DNMT1 (DNA methyltransferase 1; minus strand). Cytogenetic location: 19p13.2.
Variant type: single nucleotide variant.
Coding change: c.1709C>T on transcript NM_001130823.3 (MANE Select); coding-DNA position 1709, C replaced by T.
Protein change: p.Ala570Val; replaces alanine 570 with valine.
Molecular consequence: missense variant.
Genome position (GRCh38, 1-based): chr19:10,154,709, G>A on the plus strand (C>T on the coding strand, the complement: DNMT1 is on the minus strand). VCF-style: chr19-10154709-G-A. GRCh37 (hg19) VCF-style: chr19-10265385-G-A.
Other names: c.1709C>T (LRG_362t1); c.1661C>T, p.Ala554Val (NM_001318730.2, NM_001379.4); c.1346C>T, p.Ala449Val (NM_001318731.2); c.1661C>T (NM_001379.2); short protein forms A570V, A554V, A449V.
Identifiers: ClinVar variation 50920 (VCV000050920.55), dbSNP rs397509392, ClinGen allele CA143863.
Genomic context (GRCh38, chr19:10,154,709, plus strand): 5'-GGCTGCTCATCACTGTCCCCGGCCTCGTCATAACTCTCCACCTGCTCCACCACAAACTGC[G>A]CGTGTCGCAGGAGGGAGTCCTCTGTGAAGCGGTTCAAGTTGAGGCCAGAAGGAGGAACCG-3'
Protein context (NP_001124295.1, residues 560-580): RFTEDSLLRH[Ala570Val]QFVVEQVESY

ClinVar aggregate classification (germline): Pathogenic. Review status: criteria provided, multiple submitters, no conflicts (2 of 4 stars). 8 submissions from 8 submitters: Pathogenic (6). 2 of the submissions do not count toward it. Last evaluated 2024-12-26.

Conditions:
DNMT1-related disorders.
Inborn genetic diseases. Identifiers: MedGen C0950123, MeSH D030342.
Autosomal dominant cerebellar ataxia, deafness and narcolepsy. Also called: Autosomal Dominant Cerebellar Ataxia, Deafness, and Narcolepsy (ADCA-DN). Identifiers: Orphanet 314404, MedGen C4302668, MONDO:0011397, OMIM 604121.
Hereditary sensory neuropathy-deafness-dementia syndrome. Also called: Hereditary Sensory and Autonomic Neuropathy Type 1E (HSAN1E); Hereditary sensory neuropathy type IE; NEUROPATHY, HEREDITARY SENSORY, WITH HEARING LOSS AND DEMENTIA; HSN IE. Identifiers: Orphanet 456318, MedGen C3279885, MONDO:0013584, OMIM 614116.

Submissions (8):

Ambry Genetics
Classification: Pathogenic for Inborn genetic diseases. Last evaluated: 2024-12-26. Review status: criteria provided, single submitter. Criteria: Ambry Variant Classification Scheme 2023. Collection method: clinical testing. Allele origin: germline.
Comment: The c.1661C>T (p.A554V) alteration is located in exon 20 (coding exon 20) of the DNMT1 gene. This alteration results from a C to T substitution at nucleotide position 1661, causing the alanine (A) at amino acid position 554 to be replaced by a valine (V). This variant was not reported in population-based cohorts in the Genome Aggregation Database (gnomAD). This variant was identified in one or more individuals with features consistent with DNMT1-complex disorder (Winkelmann, 2012; Kernohan, 2016) and segregated with disease in at least one family; in at least one individual, it was determined to be de novo (Winkelmann, 2012). This amino acid position is highly conserved in available vertebrate species. This missense alteration is located in a region that has a low rate of benign missense variation (Lek, 2016; Firth, 2009). This alteration is predicted to be deleterious by in silico analysis. Based on the available evidence, this alteration is classified as pathogenic.

Labcorp Genetics (formerly Invitae), Labcorp
Classification: Pathogenic for Hereditary sensory neuropathy-deafness-dementia syndrome. Last evaluated: 2024-05-06. Review status: criteria provided, single submitter. Criteria: Invitae Variant Classification Sherloc (09022015). Collection method: clinical testing. Allele origin: germline.
Comment: This sequence change replaces alanine, which is neutral and non-polar, with valine, which is neutral and non-polar, at codon 570 of the DNMT1 protein (p.Ala570Val). This variant is not present in population databases (gnomAD no frequency). This missense change has been observed in individual(s) with cerebellar ataxia, deafness, and narcolepsy (PMID: 22328086). In at least one individual the variant was observed to be de novo. It has also been observed to segregate with disease in related individuals. ClinVar contains an entry for this variant (Variation ID: 50920). Advanced modeling of protein sequence and biophysical properties (such as structural, functional, and spatial information, amino acid conservation, physicochemical variation, residue mobility, and thermodynamic stability) performed at Invitae indicates that this missense variant is expected to disrupt DNMT1 protein function with a positive predictive value of 80%. Experimental studies have shown that this missense change affects DNMT1 function (PMID: 31984424). For these reasons, this variant has been classified as Pathogenic.

GeneDx
Classification: Pathogenic. Last evaluated: 2022-09-13. Review status: criteria provided, single submitter. Criteria: GeneDx Variant Classification Process June 2021. Collection method: clinical testing. Allele origin: germline. Affected: yes.
Comment: Published functional studies demonstrate a damaging effect resulting in aberrant protein localization and reduced cellular ATP levels (Mishima et al., 2020); Not observed at significant frequency in large population cohorts (gnomAD); In silico analysis supports that this missense variant has a deleterious effect on protein structure/function; This variant is associated with the following publications: (PMID: 24727570, 24709307, 27602171, 27869457, 32754641, 31984424, 31680384, 25678562, 23521649, 25942534, 22328086)

Blueprint Genetics
Classification: Pathogenic for DNMT1-related disorders. Last evaluated: 2022-05-30. Review status: criteria provided, single submitter. Criteria: ACMG Guidelines, 2015. Collection method: clinical testing. Allele origin: germline. Affected: yes. Observed: 2 variant alleles.

Molecular Medicine for Neurodegenerative and Neuromuscular Diseases Unit, IRCCS Fondazione Stella Maris
Classification: Pathogenic for Autosomal dominant cerebellar ataxia, deafness and narcolepsy. Last evaluated: 2021-01-04. Review status: criteria provided, single submitter. Criteria: ACMG Guidelines, 2015. Collection method: research. Allele origin: unknown. Affected: yes.

CeGaT Center for Human Genetics Tuebingen
Classification: Pathogenic. Last evaluated: 2017-08-01. Review status: criteria provided, single submitter. Criteria: CeGaT Center For Human Genetics Tuebingen Variant Classification Criteria Version 2. Collection method: clinical testing. Allele origin: germline. Affected: yes. Observed: 1 variant allele.

Inherited Neuropathy Consortium Ii, University Of Miami
Classification: Uncertain significance for Hereditary sensory neuropathy-deafness-dementia syndrome. Last evaluated: 2016-01-06. Review status: no assertion criteria provided. Collection method: literature only. Allele origin: germline. Affected: yes. Not counted in ClinVar's aggregate classification.

OMIM
Classification: Pathogenic for CEREBELLAR ATAXIA, DEAFNESS, AND NARCOLEPSY, AUTOSOMAL DOMINANT. Last evaluated: 2012-05-15. Review status: no assertion criteria provided. Collection method: literature only. Allele origin: germline. Not counted in ClinVar's aggregate classification.

Literature cited by the submitters: PubMed 22328086 (cited by 4 submitters); PubMed 27602171 (cited by Ambry Genetics); PubMed 32754641 (cited by Ambry Genetics); PubMed 31984424 (cited by Labcorp Genetics (formerly Invitae), Labcorp).